The following is an entry in ClinVar:

NM_001036.6(RYR3):c.11188G>A (p.Glu3730Lys)

Gene: RYR3 (ryanodine receptor 3; plus strand). Cytogenetic location: 15q14.
Variant type: single nucleotide variant.
Coding change: c.11188G>A on transcript NM_001036.6 (MANE Select); coding-DNA position 11188, G replaced by A.
Protein change: p.Glu3730Lys; replaces glutamic acid 3730 with lysine.
Molecular consequence: missense variant.
Genome position (GRCh38, 1-based): chr15:33,826,695, G>A. VCF-style: chr15-33826695-G-A. GRCh37 (hg19) VCF-style: chr15-34118896-G-A.
Other names: c.11173G>A, p.Glu3725Lys (NM_001243996.4); short protein forms E3725K, E3730K.
Identifiers: ClinVar variation 861156 (VCV000861156.9), dbSNP rs763084437, ClinGen allele CA7461180.

ClinVar aggregate classification (germline): Uncertain significance (1 of 4 stars; one submission).

Conditions:
Epileptic encephalopathy. Identifiers: MedGen C0543888, HP:0200134.

Allele frequency attached by ClinVar (database versions not stated): gnomAD 0.00001; gnomAD exomes 0.00001 and 0.00002; TOPMed 0.00001; ExAC 0.00002.
gnomAD v4.1: 22 of 1,613,814 alleles (0.0014%); highest among the groups gnomAD compares: Middle Eastern, 0.033%; no homozygotes.

Submission:

Labcorp Genetics (formerly Invitae), Labcorp
Classification: Uncertain significance for Epileptic encephalopathy. Last evaluated: 2024-05-20. Review status: criteria provided, single submitter. Criteria: Invitae Variant Classification Sherloc (09022015). Collection method: clinical testing. Allele origin: germline.
Comment: This sequence change replaces glutamic acid, which is acidic and polar, with lysine, which is basic and polar, at codon 3730 of the RYR3 protein (p.Glu3730Lys). This variant is present in population databases (rs763084437, gnomAD 0.003%). This variant has not been reported in the literature in individuals affected with RYR3-related conditions. ClinVar contains an entry for this variant (Variation ID: 861156). Advanced modeling of protein sequence and biophysical properties (such as structural, functional, and spatial information, amino acid conservation, physicochemical variation, residue mobility, and thermodynamic stability) performed at Invitae indicates that this missense variant is not expected to disrupt RYR3 protein function with a negative predictive value of 80%. In summary, the available evidence is currently insufficient to determine the role of this variant in disease. Therefore, it has been classified as a Variant of Uncertain Significance.